The following is an entry in ClinVar:

ClinVar aggregate classification (germline): Conflicting classifications of pathogenicity. Review status: criteria provided, conflicting classifications (1 of 4 stars). 4 submissions from 4 submitters: Uncertain significance (3); Likely benign (1). Last evaluated 2023-11-27.

Conditions:
Cardiovascular phenotype. Identifiers: MedGen CN230736.
Alagille syndrome due to a JAG1 point mutation. Also called: JAG1-Related Alagille Syndrome; HEPATIC DUCTULAR HYPOPLASIA, SYNDROMATIC; Alagille Syndrome 1. Identifiers: Orphanet 261619, Orphanet 52, MedGen C1956125, MONDO:0016862, OMIM 118450.
Tetralogy of Fallot (TOF). Identifiers: Orphanet 3303, MedGen C0039685, MONDO:0008542, OMIM 187500, HP:0001636.
Charcot-Marie-Tooth disease, axonal, Type 2HH. Also called: CHARCOT-MARIE-TOOTH NEUROPATHY, TYPE 2HH. Identifiers: MedGen C5562003, MONDO:0030458, OMIM 619574.
Deafness, congenital heart defects, and posterior embryotoxon (DCHE). Identifiers: MedGen C1866053, MONDO:0060713, OMIM 617992.

Allele frequency attached by ClinVar (database versions not stated): gnomAD exomes below 0.00001 and 0.00001.
gnomAD v4.1: 10 of 1,614,194 alleles (0.00062%); highest among the groups gnomAD compares: Admixed American, 0.0017%; no homozygotes.

Submissions (4):

Ambry Genetics
Classification: Uncertain significance for Cardiovascular phenotype. Last evaluated: 2023-11-27. Review status: criteria provided, single submitter. Criteria: Ambry Variant Classification Scheme 2023. Collection method: clinical testing. Allele origin: germline.
Comment: The p.D1043N variant (also known as c.3127G>A), located in coding exon 25 of the JAG1 gene, results from a G to A substitution at nucleotide position 3127. The aspartic acid at codon 1043 is replaced by asparagine, an amino acid with highly similar properties. This amino acid position is conserved. In addition, this alteration is predicted to be tolerated by in silico analysis. Since supporting evidence is limited at this time, the clinical significance of this alteration remains unclear.

Labcorp Genetics (formerly Invitae), Labcorp
Classification: Likely benign for Alagille syndrome due to a JAG1 point mutation. Last evaluated: 2022-09-01. Review status: criteria provided, single submitter. Criteria: Invitae Variant Classification Sherloc (09022015). Collection method: clinical testing. Allele origin: germline.

Fulgent Genetics
Classification: Uncertain significance for Alagille syndrome due to a JAG1 point mutation; Tetralogy of Fallot; Deafness, congenital heart defects, and posterior embryotoxon; Charcot-Marie-Tooth disease, axonal, Type 2HH. Last evaluated: 2022-02-15. Review status: criteria provided, single submitter. Criteria: ACMG Guidelines, 2015. Collection method: clinical testing. Allele origin: unknown.

Eurofins Ntd Llc (ga)
Classification: Uncertain significance. Last evaluated: 2018-08-24. Review status: criteria provided, single submitter. Criteria: EGL ClinVar v180209 classification definitions. Collection method: clinical testing. Allele origin: germline. Observed: 1 variant allele, 1 heterozygote.

NM_000214.3(JAG1):c.3127G>A (p.Asp1043Asn)

Gene: JAG1 (jagged canonical Notch ligand 1; minus strand). Cytogenetic location: 20p12.2.
Variant type: single nucleotide variant.
Coding change: c.3127G>A on transcript NM_000214.3 (MANE Select); coding-DNA position 3127, G replaced by A.
Protein change: p.Asp1043Asn; replaces aspartic acid 1043 with asparagine.
Molecular consequence: missense variant.
Genome position (GRCh38, 1-based): chr20:10,640,855, C>T on the plus strand (G>A on the coding strand, the complement: JAG1 is on the minus strand). VCF-style: chr20-10640855-C-T. GRCh37 (hg19) VCF-style: chr20-10621503-C-T.
Other names: c.3127G>A, p.Asp1043Asn (LRG_1191t1); c.3127G>A (NM_000214.2); short protein forms D1043N.
Identifiers: ClinVar variation 598515 (VCV000598515.13), dbSNP rs1278689263, ClinGen allele CA408244082.